The following is an entry in ClinVar:

ClinVar aggregate classification (germline): Conflicting classifications of pathogenicity. Review status: criteria provided, conflicting classifications (1 of 4 stars). 4 submissions from 4 submitters: Uncertain significance (1); Likely benign (3). Last evaluated 2025-04-16.

Conditions:
COL6A3-related disorder. Also called: COL6A3-related disorders; COL6A3-related condition.
Bethlem myopathy 1A. Also called: MYOPATHY, BENIGN CONGENITAL, WITH CONTRACTURES; Bethlem myopathy 1; Bethlem Muscular Dystrophy. Identifiers: Orphanet 610, MedGen CN029274, MONDO:0024530, OMIM 158810.

Allele frequency attached by ClinVar (database versions not stated): ExAC 0.00003; gnomAD exomes 0.00003 and 0.00006; gnomAD 0.00007 and 0.00009; ESP Exome Variant Server 0.00008; TOPMed 0.00012.
gnomAD v4.1: 51 of 1,612,446 alleles (0.0032%); highest among the groups gnomAD compares: African/African-American, 0.021%; no homozygotes.

Submissions (4):

PreventionGenetics, part of Exact Sciences
Classification: Likely benign for COL6A3-related condition. Last evaluated: 2025-04-16. Review status: criteria provided, single submitter. Criteria: ACMG Guidelines, 2015. Collection method: clinical testing. Allele origin: germline.
Comment: This variant is classified as likely benign based on ACMG/AMP sequence variant interpretation guidelines (Richards et al. 2015 PMID: 25741868, with internal and published modifications).

Labcorp Genetics (formerly Invitae), Labcorp
Classification: Likely benign for Bethlem myopathy 1A. Last evaluated: 2025-03-18. Review status: criteria provided, single submitter. Criteria: Invitae Variant Classification Sherloc (09022015). Collection method: clinical testing. Allele origin: germline.

Blueprint Genetics
Classification: Likely benign. Last evaluated: 2024-05-24. Review status: criteria provided, single submitter. Criteria: ACMG Guidelines, 2015. Collection method: clinical testing. Allele origin: germline.

Eurofins Ntd Llc (ga)
Classification: Uncertain significance. Last evaluated: 2018-03-16. Review status: criteria provided, single submitter. Criteria: EGL ClinVar v180209 classification definitions. Collection method: clinical testing. Allele origin: germline. Observed: 2 variant alleles, 2 heterozygotes.

NM_004369.4(COL6A3):c.8457C>T (p.Phe2819=)

Gene: COL6A3 (collagen type VI alpha 3 chain; minus strand). Cytogenetic location: 2q37.3.
Variant type: single nucleotide variant.
Coding change: c.8457C>T on transcript NM_004369.4 (MANE Select); coding-DNA position 8457, C replaced by T.
Protein change: p.Phe2819=; no amino-acid change (phenylalanine 2819 retained).
Molecular consequence: synonymous variant.
Genome position (GRCh38, 1-based): chr2:237,340,459, G>A on the plus strand (C>T on the coding strand, the complement: COL6A3 is on the minus strand). VCF-style: chr2-237340459-G-A. GRCh37 (hg19) VCF-style: chr2-238249102-G-A.
Other names: c.6636C>T, p.Phe2212= (NM_057166.5); c.7839C>T, p.Phe2613= (NM_057167.4).
Identifiers: ClinVar variation 497798 (VCV000497798.16), dbSNP rs138683303, ClinGen allele CA2187546.